The following is an entry in ClinVar:

ClinVar aggregate classification (germline): Likely benign (1 of 4 stars; one submission).

Submission:

GeneDx
Classification: Likely benign. Last evaluated: 2018-01-02. Review status: criteria provided, single submitter. Criteria: GeneDx Variant Classification (06012015). Collection method: clinical testing. Allele origin: germline. Affected: yes.
Comment: This variant is considered likely benign or benign based on one or more of the following criteria: it is a conservative change, it occurs at a poorly conserved position in the protein, it is predicted to be benign by multiple in silico algorithms, and/or has population frequency not consistent with disease.

NM_184043.2(ALDOA):c.-22+15dup

Genes: ALDOA (aldolase, fructose-bisphosphate A; plus strand), LOC112694756 (uncharaterized LOC112694756; plus strand). Cytogenetic location: 16p11.2.
Variant type: Duplication.
Coding change: c.-22+15dup on transcript NM_184043.2; 15 bases into the intron after 22 bases upstream of the start codon, one base duplicated (G; older notation c.-22+15dupG).
Molecular consequence: intron variant. On other transcripts: 5 prime UTR variant (1).
Genome position (GRCh38, 1-based): chr16:30,064,520, G duplicated; the last of 4 consecutive G bases (chr16:30,064,517-30,064,520); duplicating any one gives the same sequence. VCF-style (leftmost placement, unchanged base first): chr16-30064516-A-AG. GRCh37 (hg19) VCF-style: chr16-30075837-A-AG.
Other names: c.-286dup (NM_001127617.2); c.*488+15dup (NM_001365307.2, NM_001365305.2, NM_001365304.2).
Identifiers: ClinVar variation 513850 (VCV000513850.3), dbSNP rs964620994, ClinGen allele CA280406946.